The following is an entry in ClinVar:

NM_000077.5(CDKN2A):c.14C>T (p.Ala5Val)

Gene: CDKN2A (cyclin dependent kinase inhibitor 2A; minus strand). Cytogenetic location: 9p21.3.
Variant type: single nucleotide variant.
Coding change: c.14C>T on transcript NM_000077.5; coding-DNA position 14, C replaced by T.
Protein change: p.Ala5Val; replaces alanine 5 with valine.
Molecular consequence: missense variant (on NM_058197.5). On other transcripts: intron variant (2).
Genome position (GRCh38, 1-based): chr9:21,974,814, G>A on the plus strand (C>T on the coding strand, the complement: CDKN2A is on the minus strand). VCF-style: chr9-21974814-G-A. GRCh37 (hg19) VCF-style: chr9-21974813-G-A.
Other names: c.14C>T, p.Ala5Val (NM_058197.5, NM_000077.6, NM_001195132.2); c.-3-3606C>T (NM_001363763.2); c.194-3606C>T (NM_058195.4); short protein forms A5V.
Identifiers: ClinVar variation 580530 (VCV000580530.12), dbSNP rs1554656700, ClinGen allele CA373086718.
Genomic context (GRCh38, chr9:21,974,814, plus strand): 5'-ACCCGACCCCGGGCCGCGGCCGTGGCCAGCCAGTCAGCCGAAGGCTCCATGCTGCTCCCC[G>A]CCGCCGGCTCCATGCTGCTCCCCGCCGCCCGCTGCCTGCTCTCCCCCTCTCCGCAGCCGC-3'
Protein context (NP_000068.1, residues 1-15): MEPA[Ala5Val]GSSMEPSADW

ClinVar aggregate classification (germline): Conflicting classifications of pathogenicity. Review status: criteria provided, conflicting classifications (1 of 4 stars). 2 submissions from 2 submitters: Uncertain significance (1); Likely benign (1). Last evaluated 2026-08-07.

Conditions:
Familial melanoma. Also called: Hereditary melanoma; Hereditary cutaneous melanoma. Identifiers: Orphanet 618, MedGen C1512419, MONDO:0018961.
Hereditary cancer-predisposing syndrome. Also called: Neoplastic Syndromes, Hereditary; Hereditary Cancer Syndrome; Hereditary neoplastic syndrome; Tumor predisposition. Identifiers: Orphanet 140162, MedGen C0027672, MeSH D009386, MONDO:0015356.

Submissions (2):

Ambry Genetics
Classification: Likely benign for Hereditary cancer-predisposing syndrome. Last evaluated: 2026-08-07. Review status: criteria provided, single submitter. Criteria: Ambry Variant Classification Scheme 2023. Collection method: clinical testing. Allele origin: germline.

Labcorp Genetics (formerly Invitae), Labcorp
Classification: Uncertain significance for Familial melanoma. Last evaluated: 2018-01-10. Review status: criteria provided, single submitter. Criteria: Invitae Variant Classification Sherloc (09022015). Collection method: clinical testing. Allele origin: germline.
Comment: This sequence change replaces alanine with valine at codon 5 of the CDKN2A (p16INK4a) protein (p.Ala5Val). The alanine residue is weakly conserved and there is a small physicochemical difference between alanine and valine. This variant is not present in population databases (ExAC no frequency). This variant has not been reported in the literature in individuals with CDKN2A (p16INK4a)-related disease. Algorithms developed to predict the effect of missense changes on protein structure and function (SIFT, PolyPhen-2, Align-GVGD) all suggest that this variant is likely to be tolerated, but these predictions have not been confirmed by published functional studies and their clinical significance is uncertain. Algorithms developed to predict the effect of sequence changes on RNA splicing suggest that this variant may create or strengthen a splice site, but this prediction has not been confirmed by published transcriptional studies. In summary, the available evidence is currently insufficient to determine the role of this variant in disease. Therefore, it has been classified as a Variant of Uncertain Significance.